The following is an entry in ClinVar:

ClinVar aggregate classification (germline): Likely pathogenic (1 of 4 stars; one submission).

Allele frequency attached by ClinVar (database versions not stated): gnomAD 0.00001; TOPMed 0.00001.
gnomAD v4.1: 1 of 1,613,962 alleles (0.000062%); highest among the groups gnomAD compares: Admixed American, 0.0017%; no homozygotes.

Submission:

Labcorp Genetics (formerly Invitae), Labcorp
Classification: Likely pathogenic. Last evaluated: 2024-08-13. Review status: criteria provided, single submitter. Criteria: Invitae Variant Classification Sherloc (09022015). Collection method: clinical testing. Allele origin: germline.
Comment: This sequence change affects an acceptor splice site in intron 5 of the PKD1L1 gene. It is expected to disrupt RNA splicing. Variants that disrupt the donor or acceptor splice site typically lead to a loss of protein function (PMID: 16199547), and loss-of-function variants in PKD1L1 are known to be pathogenic (PMID: 27616478). This variant is not present in population databases (gnomAD no frequency). This variant has not been reported in the literature in individuals affected with PKD1L1-related conditions. Algorithms developed to predict the effect of sequence changes on RNA splicing suggest that this variant may disrupt the consensus splice site. In summary, the currently available evidence indicates that the variant is pathogenic, but additional data are needed to prove that conclusively. Therefore, this variant has been classified as Likely Pathogenic.

Literature cited by the submitters: PubMed 16199547; PubMed 27616478.

NM_138295.5(PKD1L1):c.520-2A>C

Gene: PKD1L1 (polycystin 1 like 1, transient receptor potential channel interacting; minus strand). Cytogenetic location: 7p12.3.
Variant type: single nucleotide variant.
Coding change: c.520-2A>C on transcript NM_138295.5 (MANE Select); the canonical splice acceptor site of the intron before coding-DNA position 520, A replaced by C.
Molecular consequence: splice acceptor variant.
Genome position (GRCh38, 1-based): chr7:47,931,323, T>G on the plus strand (A>C on the coding strand, the complement: PKD1L1 is on the minus strand). VCF-style: chr7-47931323-T-G. GRCh37 (hg19) VCF-style: chr7-47970920-T-G.
Identifiers: ClinVar variation 3012769 (VCV003012769.3), dbSNP rs1787768161, ClinGen allele CA367466476.